The following is an entry in ClinVar:

NM_000053.4(ATP7B):c.3620A>G (p.His1207Arg)

Gene: ATP7B (ATPase copper transporting beta; minus strand). Cytogenetic location: 13q14.3.
Variant type: single nucleotide variant.
Coding change: c.3620A>G on transcript NM_000053.4 (MANE Select); coding-DNA position 3620, A replaced by G.
Protein change: p.His1207Arg; replaces histidine 1207 with arginine.
Molecular consequence: missense variant.
Genome position (GRCh38, 1-based): chr13:51,939,130, T>C on the plus strand (A>G on the coding strand, the complement: ATP7B is on the minus strand). VCF-style: chr13-51939130-T-C. GRCh37 (hg19) VCF-style: chr13-52513266-T-C.
Other names: c.2999A>G, p.His1000Arg (NM_001005918.3); c.3287A>G, p.His1096Arg (NM_001243182.2); c.3386A>G, p.His1129Arg (NM_001330578.2); c.3368A>G, p.His1123Arg (NM_001330579.2); short protein forms H1207R, H1000R, H1129R, H1096R, H1123R.
Identifiers: ClinVar variation 35724 (VCV000035724.53), dbSNP rs7334118, ClinGen allele CA145687.
Genomic context (GRCh38, chr13:51,939,130, plus strand): 5'-GCTGTCTTCCGGTTGTCCCCCGTGATCAGAACCACGTCCACACCCATGCTCTGCAGCGTG[T>C]GCACAGCCAGGGCAGCCTCCTGCTTGACAGCGTCTGCGATTGCGATCATCCCACAGAGCA-3'
Protein context (NP_000044.2, residues 1197-1217): AVKQEAALAV[His1207Arg]TLQSMGVDVV

ClinVar aggregate classification (germline): Benign/Likely benign. Review status: criteria provided, multiple submitters, no conflicts (2 of 4 stars). 21 submissions from 21 submitters: Benign (12); Likely benign (3). 6 of the submissions do not count toward it. Last evaluated 2026-02-04.

Conditions:
Inborn genetic diseases. Identifiers: MedGen C0950123, MeSH D030342.
Wilson disease (WND). Also called: Wilson's disease. Identifiers: Orphanet 905, MedGen C0019202, MONDO:0010200, OMIM 277900. Disease mechanism: loss of function.

Allele frequency attached by ClinVar (database versions not stated): TOPMed 0.03600; gnomAD exomes 0.01410 and 0.02963; gnomAD 0.02743 and 0.02828; 1000 Genomes Project 0.03155; 1000 Genomes Project 30x 0.03342; ESP Exome Variant Server 0.02372; ExAC 0.02569.
gnomAD v4.1: 24,809 of 1,614,212 alleles (1.5%); highest among the groups gnomAD compares: Admixed American, 13%; 768 homozygotes.

Submissions (21):

Labcorp Genetics (formerly Invitae), Labcorp
Classification: Benign for Wilson disease. Last evaluated: 2026-02-04. Review status: criteria provided, single submitter. Criteria: Invitae Variant Classification Sherloc (09022015). Collection method: clinical testing. Allele origin: germline.

ARUP Laboratories, Molecular Genetics and Genomics, ARUP Laboratories
Classification: Benign for Wilson disease. Last evaluated: 2025-07-30. Review status: criteria provided, single submitter. Criteria: ARUP Molecular Germline Variant Investigation Process 2024. Collection method: clinical testing. Allele origin: germline.

Blueprint Genetics
Classification: Likely benign. Last evaluated: 2024-11-27. Review status: criteria provided, single submitter. Criteria: ACMG Guidelines, 2015. Collection method: clinical testing. Allele origin: germline.

All of Us Research Program, National Institutes of Health
Classification: Benign for Wilson disease. Last evaluated: 2024-09-27. Review status: criteria provided, single submitter. Criteria: ACMG Guidelines, 2015. Collection method: clinical testing. Allele origin: germline. Inheritance: Autosomal recessive inheritance. Observed: 6,488 variant alleles, 6,244 heterozygotes, 244 homozygotes.
Comment: This study involves interpretation of variants in research participants for the purpose of population health screening. Participant phenotype was not available at the time of variant classification. Additional details can be found in publication PMID: 35346344, PMCID: PMC8962531

Genomic Medicine Center of Excellence, King Faisal Specialist Hospital and Research Centre
Classification: Benign for Wilson disease. Last evaluated: 2024-09-22. Review status: criteria provided, single submitter. Criteria: ACMG Guidelines, 2015. Collection method: clinical testing. Allele origin: germline.

Mayo Clinic Laboratories, Mayo Clinic
Classification: Benign. Last evaluated: 2023-11-03. Review status: criteria provided, single submitter. Criteria: ACMG Guidelines, 2015. Collection method: clinical testing. Allele origin: germline. Observed: 100 variant alleles.
Comment: BA1, BS2

Genome-Nilou Lab
Classification: Likely benign for Wilson disease. Last evaluated: 2021-08-10. Review status: criteria provided, single submitter. Criteria: ACMG Guidelines, 2015. Collection method: clinical testing. Allele origin: germline. Affected: no.

Mendelics
Classification: Likely benign for Wilson disease. Last evaluated: 2019-05-28. Review status: criteria provided, single submitter. Criteria: Mendelics Assertion Criteria 2017. Collection method: clinical testing. Allele origin: unknown.

Illumina Laboratory Services, Illumina
Classification: Benign for Wilson disease. Last evaluated: 2018-03-06. Review status: criteria provided, single submitter. Criteria: ICSL Variant Classification Criteria 13 December 2019. Collection method: clinical testing. Allele origin: germline.
Comment: This variant was observed in the ICSL laboratory as part of a predisposition screen in an ostensibly healthy population. It had not been previously curated by ICSL or reported in the Human Gene Mutation Database (HGMD: prior to June 1st, 2018), and was therefore a candidate for classification through an automated scoring system. Utilizing variant allele frequency, disease prevalence and penetrance estimates, and inheritance mode, an automated score was calculated to assess if this variant is too frequent to cause the disease. Based on the score and internal cut-off values, a variant classified as benign is not then subjected to further curation. The score for this variant resulted in a classification of benign for this disease.

Color Diagnostics, LLC DBA Color Health
Classification: Benign for Wilson disease. Last evaluated: 2018-03-05. Review status: criteria provided, single submitter. Criteria: ACMG Guidelines, 2015. Collection method: clinical testing. Allele origin: germline.

Genetic Services Laboratory, University of Chicago
Classification: Benign. Last evaluated: 2016-11-23. Review status: criteria provided, single submitter. Criteria: ACMG Guidelines, 2015. Collection method: clinical testing. Allele origin: germline. Affected: no.

GeneDx
Classification: Benign. Last evaluated: 2016-02-08. Review status: criteria provided, single submitter. Criteria: GeneDx Variant Classification (06012015). Collection method: clinical testing. Allele origin: germline. Affected: yes.
Comment: This variant is considered likely benign or benign based on one or more of the following criteria: it is a conservative change, it occurs at a poorly conserved position in the protein, it is predicted to be benign by multiple in silico algorithms, and/or has population frequency not consistent with disease.

Ambry Genetics
Classification: Benign for Inborn genetic diseases. Last evaluated: 2015-08-06. Review status: criteria provided, single submitter. Criteria: Ambry Variant Classification Scheme 2023. Collection method: clinical testing. Allele origin: germline.

Eurofins Ntd Llc (ga)
Classification: Benign. Last evaluated: 2013-02-26. Review status: criteria provided, single submitter. Criteria: EGL Classification Definitions 2015. Collection method: clinical testing. Allele origin: germline. Observed: 2 variant alleles, 2 heterozygotes.

PreventionGenetics, part of Exact Sciences
Classification: Benign. Review status: criteria provided, single submitter. Criteria: ACMG Guidelines, 2015. Collection method: clinical testing. Allele origin: germline.

Natera, Inc.
Classification: Benign for Wilson disease. Last evaluated: 2020-09-16. Review status: no assertion criteria provided. Collection method: clinical testing. Allele origin: germline. Not counted in ClinVar's aggregate classification.

Women's Health and Genetics/Laboratory Corporation of America, LabCorp
Classification: Benign for Wilson's disease. Last evaluated: 2012-04-17. Review status: no assertion criteria provided. Collection method: clinical testing. Allele origin: germline. Not counted in ClinVar's aggregate classification.

Clinical Genetics DNA and cytogenetics Diagnostics Lab, Erasmus MC, Erasmus Medical Center
Classification: Likely benign. Review status: no assertion criteria provided. Collection method: clinical testing. Allele origin: germline. Affected: yes. Study: VKGL Data-share Consensus. Not counted in ClinVar's aggregate classification.

Clinical Genetics, Academic Medical Center
Classification: Benign. Review status: no assertion criteria provided. Collection method: clinical testing. Allele origin: germline. Affected: yes. Study: VKGL Data-share Consensus. Not counted in ClinVar's aggregate classification.

Diagnostic Laboratory, Department of Genetics, University Medical Center Groningen
Classification: Benign for Wilson disease. Review status: no assertion criteria provided. Collection method: clinical testing. Allele origin: germline. Affected: yes. Study: VKGL Data-share Consensus. Not counted in ClinVar's aggregate classification.

Genome Diagnostics Laboratory, Amsterdam University Medical Center
Classification: Benign. Review status: no assertion criteria provided. Collection method: clinical testing. Allele origin: germline. Affected: yes. Study: VKGL Data-share Consensus. Not counted in ClinVar's aggregate classification.